The following is an entry in ClinVar:

NM_000051.4(ATM):c.3003A>C (p.Leu1001=)

Gene: ATM (ATM serine/threonine kinase; plus strand). Cytogenetic location: 11q22.3.
Variant type: single nucleotide variant.
Coding change: c.3003A>C on transcript NM_000051.4 (MANE Select); coding-DNA position 3003, A replaced by C.
Protein change: p.Leu1001=; no amino-acid change (leucine 1001 retained).
Molecular consequence: synonymous variant.
Genome position (GRCh38, 1-based): chr11:108,271,332, A>C. VCF-style: chr11-108271332-A-C. GRCh37 (hg19) VCF-style: chr11-108142059-A-C.
Other names: c.3003A>C, p.Leu1001= (NM_001351834.2).
Identifiers: ClinVar variation 230163 (VCV000230163.15), dbSNP rs765969190, ClinGen allele CA10579079.

ClinVar aggregate classification (germline): Benign/Likely benign. Review status: criteria provided, multiple submitters, no conflicts (2 of 4 stars). 4 submissions from 4 submitters: Benign (1); Likely benign (3). Last evaluated 2025-12-20.

Conditions:
Hereditary cancer-predisposing syndrome. Also called: Hereditary Cancer Syndrome; Neoplastic Syndromes, Hereditary; Tumor predisposition; Hereditary neoplastic syndrome. Identifiers: Orphanet 140162, MedGen C0027672, MeSH D009386, MONDO:0015356.
Familial cancer of breast. Also called: Hereditary breast cancer; hereditary breast carcinoma; BREAST CANCER, FAMILIAL. Identifiers: Orphanet 227535, MedGen C0346153, MONDO:0016419, OMIM 114480. Disease mechanism: loss of function.
Ataxia-telangiectasia syndrome (AT). Also called: Ataxia telangiectasia (A-T); Ataxia-telangiectasia, complementation group E; LOUIS-BAR SYNDROME; Cerebello-oculocutaneous telangiectasia; Immunodeficiency with ataxia telangiectasia; Ataxia-telangiectasia, complementation group D. Identifiers: Orphanet 100, MedGen C0004135, MONDO:0008840, OMIM 208900.

Allele frequency attached by ClinVar (database versions not stated): TOPMed 0.00001.
gnomAD v4.1: 2 of 1,613,984 alleles (0.00012%); highest among the groups gnomAD compares: Non-Finnish European, 0.00017%; no homozygotes.

Submissions (4):

Labcorp Genetics (formerly Invitae), Labcorp
Classification: Likely benign for Ataxia-telangiectasia syndrome. Last evaluated: 2025-12-20. Review status: criteria provided, single submitter. Criteria: Invitae Variant Classification Sherloc (09022015). Collection method: clinical testing. Allele origin: germline.

Myriad Genetics, Inc.
Classification: Benign for Familial cancer of breast. Last evaluated: 2024-05-13. Review status: criteria provided, single submitter. Criteria: Myriad Autosomal Dominant, Autosomal Recessive and X-Linked Classification Criteria (2023). Collection method: clinical testing. Allele origin: unknown.
Comment: This variant is considered benign. This variant is a silent/synonymous amino acid change and it is not expected to impact splicing.

Color Diagnostics, LLC DBA Color Health
Classification: Likely benign for Hereditary cancer-predisposing syndrome. Last evaluated: 2016-07-18. Review status: criteria provided, single submitter. Criteria: ACMG Guidelines, 2015. Collection method: clinical testing. Allele origin: germline.

Ambry Genetics
Classification: Likely benign for Hereditary cancer-predisposing syndrome. Last evaluated: 2015-01-15. Review status: criteria provided, single submitter. Criteria: Ambry Variant Classification Scheme 2023. Collection method: clinical testing. Allele origin: germline.